The following is an entry in ClinVar:

ClinVar aggregate classification (germline): Uncertain significance (1 of 4 stars; one submission).

Submission:

Labcorp Genetics (formerly Invitae), Labcorp
Classification: Uncertain significance. Last evaluated: 2022-05-04. Review status: criteria provided, single submitter. Criteria: Invitae Variant Classification Sherloc (09022015). Collection method: clinical testing. Allele origin: germline.
Comment: This variant, c.3622_3633del, results in the deletion of 4 amino acid(s) of the CCDC88A protein (p.Lys1208_Leu1211del), but otherwise preserves the integrity of the reading frame. This variant is not present in population databases (gnomAD no frequency). This variant has not been reported in the literature in individuals affected with CCDC88A-related conditions. Experimental studies and prediction algorithms are not available or were not evaluated, and the functional significance of this variant is currently unknown. In summary, the available evidence is currently insufficient to determine the role of this variant in disease. Therefore, it has been classified as a Variant of Uncertain Significance.

NM_001365480.1(CCDC88A):c.3625_3636del (p.Lys1209_Leu1212del)

Gene: CCDC88A (coiled-coil and HOOK domain protein 88A; minus strand). Cytogenetic location: 2p16.1.
Variant type: Deletion.
Coding change: c.3625_3636del on transcript NM_001365480.1 (MANE Select); coding-DNA positions 3625 to 3636, 12 bases deleted (AAAGGACAGTTG).
Protein change: p.Lys1209_Leu1212del.
Molecular consequence: inframe deletion.
Genome position (GRCh38, 1-based): chr2:55,317,316-55,317,327, CAACTGTCCTTT deleted on the plus strand (AAAGGACAGTTG on the coding strand, the reverse complement: CCDC88A is on the minus strand); deleting any 12 consecutive bases within chr2:55,317,316-55,317,328 gives the same sequence; the c. name uses the placement nearest the transcript's 3' end. VCF-style (leftmost placement, unchanged base first): chr2-55317315-CCAACTGTCCTTT-C. GRCh37 (hg19) VCF-style: chr2-55544451-CCAACTGTCCTTT-C.
Other names: c.3622_3633del, p.Lys1208_Leu1211del (NM_001135597.2, NM_001254943.2); c.3625_3636del, p.Lys1209_Leu1212del (NM_018084.5).
Identifiers: ClinVar variation 2133522 (VCV002133522.4), dbSNP rs2544779166, ClinGen allele CA2580067397.